The following is an entry in ClinVar:

ClinVar aggregate classification (germline): Benign. Review status: criteria provided, multiple submitters, no conflicts (2 of 4 stars). 7 submissions from 7 submitters: Benign (5). 2 of the submissions do not count toward it. Last evaluated 2026-02-04.

Conditions:
Geroderma osteodysplastica (GO). Also called: WALT DISNEY DWARFISM; Geroderma osteodysplasticum. Identifiers: Orphanet 2078, MedGen C0432255, MONDO:0009271, OMIM 231070.

Allele frequency attached by ClinVar (database versions not stated): ESP Exome Variant Server 0.48585; gnomAD exomes 0.48903 and 0.54387; TOPMed 0.51989; gnomAD 0.52780; 1000 Genomes Project 30x 0.58276; 1000 Genomes Project 0.59265.

Submissions (7):

Labcorp Genetics (formerly Invitae), Labcorp
Classification: Benign. Last evaluated: 2026-02-04. Review status: criteria provided, single submitter. Criteria: Invitae Variant Classification Sherloc (09022015). Collection method: clinical testing. Allele origin: germline.

Genome-Nilou Lab
Classification: Benign for Geroderma osteodysplastica. Last evaluated: 2021-08-10. Review status: criteria provided, single submitter. Criteria: ACMG Guidelines, 2015. Collection method: clinical testing. Allele origin: germline. Affected: no.

Illumina Laboratory Services, Illumina
Classification: Benign for Geroderma osteodysplastica. Last evaluated: 2018-01-13. Review status: criteria provided, single submitter. Criteria: ICSL Variant Classification Criteria 13 December 2019. Collection method: clinical testing. Allele origin: germline.
Comment: This variant was observed in the ICSL laboratory as part of a predisposition screen in an ostensibly healthy population. It had not been previously curated by ICSL or reported in the Human Gene Mutation Database (HGMD: prior to June 1st, 2018), and was therefore a candidate for classification through an automated scoring system. Utilizing variant allele frequency, disease prevalence and penetrance estimates, and inheritance mode, an automated score was calculated to assess if this variant is too frequent to cause the disease. Based on the score and internal cut-off values, a variant classified as benign is not then subjected to further curation. The score for this variant resulted in a classification of benign for this disease.

Breakthrough Genomics
Classification: Benign. Review status: criteria provided, single submitter. Criteria: ACMG Guidelines, 2015. Collection method: not provided. Allele origin: germline. Inheritance: Autosomal recessive inheritance. Affected: yes.

PreventionGenetics, part of Exact Sciences
Classification: Benign. Review status: criteria provided, single submitter. Criteria: ACMG Guidelines, 2015. Collection method: clinical testing. Allele origin: germline.

Diagnostic Laboratory, Department of Genetics, University Medical Center Groningen
Classification: Benign. Review status: no assertion criteria provided. Collection method: clinical testing. Allele origin: germline. Affected: yes. Study: VKGL Data-share Consensus. Not counted in ClinVar's aggregate classification.

Genome Diagnostics Laboratory, Amsterdam University Medical Center
Classification: Benign. Review status: no assertion criteria provided. Collection method: clinical testing. Allele origin: germline. Affected: yes. Study: VKGL Data-share Consensus. Not counted in ClinVar's aggregate classification.

NM_152281.3(GORAB):c.883G>A (p.Glu295Lys)

Gene: GORAB (golgin, RAB6 interacting; plus strand). Cytogenetic location: 1q24.2.
Variant type: single nucleotide variant.
Coding change: c.883G>A on transcript NM_152281.3 (MANE Select); coding-DNA position 883, G replaced by A.
Protein change: p.Glu295Lys; replaces glutamic acid 295 with lysine.
Molecular consequence: missense variant. On other transcripts: non-coding transcript variant (1).
Genome position (GRCh38, 1-based): chr1:170,552,235, G>A. VCF-style: chr1-170552235-G-A. GRCh37 (hg19) VCF-style: chr1-170521376-G-A.
Other names: c.418G>A, p.Glu140Lys (NM_001320252.2); short protein forms E320K, E140K, E295K.
Identifiers: ClinVar variation 262629 (VCV000262629.20), dbSNP rs913257, ClinGen allele CA1239262.